The following is an entry in ClinVar:

ClinVar aggregate classification (germline): Uncertain significance (1 of 4 stars; one submission).

Conditions:
Hereditary cancer-predisposing syndrome. Also called: Hereditary neoplastic syndrome; Neoplastic Syndromes, Hereditary; Tumor predisposition; Hereditary Cancer Syndrome. Identifiers: Orphanet 140162, MedGen C0027672, MeSH D009386, MONDO:0015356.

Submission:

Ambry Genetics
Classification: Uncertain significance for Hereditary cancer-predisposing syndrome. Last evaluated: 2024-12-21. Review status: criteria provided, single submitter. Criteria: Ambry Variant Classification Scheme 2023. Collection method: clinical testing. Allele origin: germline.
Comment: The p.D602E variant (also known as c.1806T>A), located in coding exon 9 of the ALK gene, results from a T to A substitution at nucleotide position 1806. The aspartic acid at codon 602 is replaced by glutamic acid, an amino acid with highly similar properties. This amino acid position is conserved. In addition, this alteration is predicted to be tolerated by in silico analysis. Based on the available evidence, the clinical significance of this variant remains unclear.

NM_004304.5(ALK):c.1806T>A (p.Asp602Glu)

Gene: ALK (ALK receptor tyrosine kinase; minus strand). Cytogenetic location: 2p23.2.
Variant type: single nucleotide variant.
Coding change: c.1806T>A on transcript NM_004304.5 (MANE Select); coding-DNA position 1806, T replaced by A.
Protein change: p.Asp602Glu; replaces aspartic acid 602 with glutamic acid.
Molecular consequence: missense variant.
Genome position (GRCh38, 1-based): chr2:29,296,899, A>T on the plus strand (T>A on the coding strand, the complement: ALK is on the minus strand). VCF-style: chr2-29296899-A-T. GRCh37 (hg19) VCF-style: chr2-29519765-A-T.
Other names: short protein forms D602E.
Identifiers: ClinVar variation 3855003 (VCV003855003.1).